The following is an entry in ClinVar:

ClinVar aggregate classification (germline): Uncertain significance (1 of 4 stars; one submission).

Conditions:
Inborn genetic diseases. Identifiers: MedGen C0950123, MeSH D030342.

Submission:

Ambry Genetics
Classification: Uncertain significance for Inborn genetic diseases. Last evaluated: 2026-09-05. Review status: criteria provided, single submitter. Criteria: Ambry Variant Classification Scheme 2023. Collection method: clinical testing. Allele origin: germline.
Comment: The p.F560L variant (also known as c.1680C>A), located in coding exon 1 of the SAMD9 gene, results from a C to A substitution at nucleotide position 1680. The phenylalanine at codon 560 is replaced by leucine, an amino acid with highly similar properties. This amino acid position is conserved. In addition, this alteration is predicted to be tolerated by in silico analysis. Based on the available evidence, the clinical significance of this variant remains unclear.

NM_017654.4(SAMD9):c.1680C>A (p.Phe560Leu)

Gene: SAMD9 (sterile alpha motif domain containing 9; minus strand). Cytogenetic location: 7q21.2.
Variant type: single nucleotide variant.
Coding change: c.1680C>A on transcript NM_017654.4 (MANE Select); coding-DNA position 1680, C replaced by A.
Protein change: p.Phe560Leu; replaces phenylalanine 560 with leucine.
Molecular consequence: missense variant.
Genome position (GRCh38, 1-based): chr7:93,104,418, G>T on the plus strand (C>A on the coding strand, the complement: SAMD9 is on the minus strand). VCF-style: chr7-93104418-G-T. GRCh37 (hg19) VCF-style: chr7-92733731-G-T.
Other names: c.1680C>A, p.Phe560Leu (NM_001193307.2); short protein forms F560L.
Identifiers: ClinVar variation 5028819 (VCV005028819.1).